The following is an entry in ClinVar:

ClinVar aggregate classification (germline): Uncertain significance (1 of 4 stars; one submission).

Conditions:
Fanconi anemia (FA). Also called: Fanconi's anemia. Identifiers: Orphanet 84, MedGen C0015625, MeSH D005199, MONDO:0019391.

Allele frequency attached by ClinVar (database versions not stated): TOPMed below 0.00001.

Submission:

Labcorp Genetics (formerly Invitae), Labcorp
Classification: Uncertain significance for Fanconi anemia. Last evaluated: 2022-11-15. Review status: criteria provided, single submitter. Criteria: Invitae Variant Classification Sherloc (09022015). Collection method: clinical testing. Allele origin: germline.
Comment: In summary, the available evidence is currently insufficient to determine the role of this variant in disease. Therefore, it has been classified as a Variant of Uncertain Significance. Algorithms developed to predict the effect of missense changes on protein structure and function are either unavailable or do not agree on the potential impact of this missense change (SIFT: "Tolerated"; PolyPhen-2: "Possibly Damaging"; Align-GVGD: "Class C0"). ClinVar contains an entry for this variant (Variation ID: 1423295). This variant has not been reported in the literature in individuals affected with FANCI-related conditions. This variant is not present in population databases (gnomAD no frequency). This sequence change replaces isoleucine, which is neutral and non-polar, with valine, which is neutral and non-polar, at codon 1053 of the FANCI protein (p.Ile1053Val).

NM_001113378.2(FANCI):c.3157A>G (p.Ile1053Val)

Gene: FANCI (FA complementation group I; plus strand). Cytogenetic location: 15q26.1.
Variant type: single nucleotide variant.
Coding change: c.3157A>G on transcript NM_001113378.2 (MANE Select); coding-DNA position 3157, A replaced by G.
Protein change: p.Ile1053Val; replaces isoleucine 1053 with valine.
Molecular consequence: missense variant.
Genome position (GRCh38, 1-based): chr15:89,305,213, A>G. VCF-style: chr15-89305213-A-G. GRCh37 (hg19) VCF-style: chr15-89848444-A-G.
Other names: c.2878A>G, p.Ile960Val (NM_001376910.1); c.3157A>G, p.Ile1053Val (NM_001376911.1); c.2977A>G, p.Ile993Val (NM_018193.3); short protein forms I1053V, I960V, I993V.
Identifiers: ClinVar variation 1423295 (VCV001423295.4), dbSNP rs1486397190, ClinGen allele CA393739431.